The following is an entry in ClinVar:

ClinVar aggregate classification (germline): Uncertain significance (1 of 4 stars; one submission).

Conditions:
NCOR1-related disorder. Also called: NCOR1-related condition.

Allele frequency attached by ClinVar (database versions not stated): ExAC 0.00001; TOPMed 0.00001; gnomAD exomes 0.00002; gnomAD 0.00004.
gnomAD v4.1: 28 of 1,613,378 alleles (0.0017%); highest among the groups gnomAD compares: Non-Finnish European, 0.0024%; no homozygotes.

Submission:

PreventionGenetics, part of Exact Sciences
Classification: Uncertain significance for NCOR1-related condition. Last evaluated: 2023-03-30. Review status: criteria provided, single submitter. Criteria: ACMG Guidelines, 2015. Collection method: clinical testing. Allele origin: germline.
Comment: The NCOR1 c.6728C>T variant is predicted to result in the amino acid substitution p.Thr2243Met. To our knowledge, this variant has not been reported in the literature. This variant is reported in 0.00088% of alleles in individuals of European (Non-Finnish) descent in gnomAD. At this time, the clinical significance of this variant is uncertain due to the absence of conclusive functional and genetic evidence.

NM_006311.4(NCOR1):c.6728C>T (p.Thr2243Met)

Genes: NCOR1 (nuclear receptor corepressor 1; minus strand), TTC19 (tetratricopeptide repeat domain 19; plus strand). Cytogenetic location: 17p12.
Variant type: single nucleotide variant.
Coding change: c.6728C>T on transcript NM_006311.4 (MANE Select); coding-DNA position 6728, C replaced by T.
Protein change: p.Thr2243Met; replaces threonine 2243 with methionine.
Molecular consequence: missense variant.
Genome position (GRCh38, 1-based): chr17:16,040,446, G>A on the plus strand (C>T on the coding strand, the complement: NCOR1 is on the minus strand). VCF-style: chr17-16040446-G-A. GRCh37 (hg19) VCF-style: chr17-15943760-G-A.
Other names: c.6419C>T, p.Thr2140Met (NM_001190440.2); short protein forms T2140M, T2243M.
Identifiers: ClinVar variation 2633641 (VCV002633641.1), dbSNP rs571174228, ClinGen allele CA8407922.
Genomic context (GRCh38, chr17:16,040,446, plus strand): 5'-ACTGACTACTGCTGTGCCAATTTTGTATTGGTAAATAATGTCTTTTCAATCTTACCTGAC[G>A]TAGTAACTGCTGGCAGATTAAAGATCTCAGTTCCTGGCTGAGCAGCTGCTATATTTAAGC-3'
Protein context (NP_006302.2, residues 2233-2253): TEIFNLPAVT[Thr2243Met]SGSVSSRGHS